The following is an entry in ClinVar:

ClinVar aggregate classification (germline): Benign (1 of 4 stars; one submission).

Allele frequency attached by ClinVar (database versions not stated): gnomAD 0.71615 and 0.72732; TOPMed 0.71692; 1000 Genomes Project 30x 0.74047; 1000 Genomes Project 0.75240.
gnomAD v4.1: 110,632 of 151,980 alleles (73%); highest among the groups gnomAD compares: East Asian, 92%; 41,530 homozygotes.

Submission:

GeneDx
Classification: Benign. Last evaluated: 2018-06-19. Review status: criteria provided, single submitter. Criteria: GeneDx Variant Classification (06012015). Collection method: clinical testing. Allele origin: germline. Affected: yes.
Comment: This variant is considered likely benign or benign based on one or more of the following criteria: it is a conservative change, it occurs at a poorly conserved position in the protein, it is predicted to be benign by multiple in silico algorithms, and/or has population frequency not consistent with disease.

NM_001077365.2(POMT1):c.428-340C>T

Gene: POMT1 (protein O-mannosyltransferase 1; plus strand). Cytogenetic location: 9q34.13.
Variant type: single nucleotide variant.
Coding change: c.428-340C>T on transcript NM_001077365.2 (MANE Select); 340 bases into the intron before coding-DNA position 428, C replaced by T.
Molecular consequence: intron variant.
Genome position (GRCh38, 1-based): chr9:131,508,571, C>T. VCF-style: chr9-131508571-C-T. GRCh37 (hg19) VCF-style: chr9-134383958-C-T.
Other names: c.266-340C>T (NM_001353198.2, NM_001353194.2, NM_001374689.1 and 3 more transcripts); c.428-340C>T (NM_001353193.2, NM_001136113.2, NM_007171.4 and 1 more transcripts); c.77-340C>T (NM_001374691.1, NM_001353195.2, NM_001374692.1 and 2 more transcripts); c.338-340C>T (NM_001353196.2); c.-29-340C>T (NM_001374695.1, NM_001353200.2).
Identifiers: ClinVar variation 683940 (VCV000683940.1), dbSNP rs10901063, ClinGen allele CA15620893.